The following is an entry in ClinVar:

ClinVar aggregate classification (germline): Uncertain significance (1 of 4 stars; one submission).

gnomAD v4.1: 1 of 1,614,028 alleles (0.000062%); highest among the groups gnomAD compares: Non-Finnish European, 0.000085%; no homozygotes.

Submission:

Labcorp Genetics (formerly Invitae), Labcorp
Classification: Uncertain significance. Last evaluated: 2022-11-01. Review status: criteria provided, single submitter. Criteria: Invitae Variant Classification Sherloc (09022015). Collection method: clinical testing. Allele origin: germline.
Comment: In summary, the available evidence is currently insufficient to determine the role of this variant in disease. Therefore, it has been classified as a Variant of Uncertain Significance. Advanced modeling of protein sequence and biophysical properties (such as structural, functional, and spatial information, amino acid conservation, physicochemical variation, residue mobility, and thermodynamic stability) performed at Invitae indicates that this missense variant is expected to disrupt LRP5 protein function. ClinVar contains an entry for this variant (Variation ID: 1345975). This variant has not been reported in the literature in individuals affected with LRP5-related conditions. This variant is not present in population databases (gnomAD no frequency). This sequence change replaces proline, which is neutral and non-polar, with arginine, which is basic and polar, at codon 944 of the LRP5 protein (p.Pro944Arg).

NM_002335.4(LRP5):c.2831C>G (p.Pro944Arg)

Gene: LRP5 (LDL receptor related protein 5; plus strand). Cytogenetic location: 11q13.2.
Variant type: single nucleotide variant.
Coding change: c.2831C>G on transcript NM_002335.4 (MANE Select); coding-DNA position 2831, C replaced by G.
Protein change: p.Pro944Arg; replaces proline 944 with arginine.
Molecular consequence: missense variant.
Genome position (GRCh38, 1-based): chr11:68,416,331, C>G. VCF-style: chr11-68416331-C-G. GRCh37 (hg19) VCF-style: chr11-68183799-C-G.
Other names: c.1088C>G, p.Pro363Arg (NM_001291902.2); short protein forms P363R, P944R.
Identifiers: ClinVar variation 1345975 (VCV001345975.6), dbSNP rs2153169247, ClinGen allele CA381619631.